The following is an entry in ClinVar:

ClinVar aggregate classification (germline): Uncertain significance (1 of 4 stars; one submission).

Conditions:
Fanconi anemia complementation group O. Also called: RAD51C-Related Fanconi Anemia. Identifiers: Orphanet 84, MedGen C3150653, MONDO:0013248, OMIM 613390.

Submission:

Labcorp Genetics (formerly Invitae), Labcorp
Classification: Uncertain significance for Fanconi anemia complementation group O. Last evaluated: 2023-02-25. Review status: criteria provided, single submitter. Criteria: Invitae Variant Classification Sherloc (09022015). Collection method: clinical testing. Allele origin: germline.
Comment: In summary, the available evidence is currently insufficient to determine the role of this variant in disease. Therefore, it has been classified as a Variant of Uncertain Significance. Advanced modeling of protein sequence and biophysical properties (such as structural, functional, and spatial information, amino acid conservation, physicochemical variation, residue mobility, and thermodynamic stability) performed at Invitae indicates that this missense variant is not expected to disrupt RAD51C protein function. ClinVar contains an entry for this variant (Variation ID: 1052265). This variant has not been reported in the literature in individuals affected with RAD51C-related conditions. This variant is not present in population databases (gnomAD no frequency). This sequence change replaces threonine, which is neutral and polar, with serine, which is neutral and polar, at codon 259 of the RAD51C protein (p.Thr259Ser).

NM_058216.3(RAD51C):c.775A>T (p.Thr259Ser)

Gene: RAD51C (RAD51 paralog C; plus strand). Cytogenetic location: 17q22.
Variant type: single nucleotide variant.
Coding change: c.775A>T on transcript NM_058216.3 (MANE Select); coding-DNA position 775, A replaced by T.
Protein change: p.Thr259Ser; replaces threonine 259 with serine.
Molecular consequence: missense variant. On other transcripts: non-coding transcript variant (1).
Genome position (GRCh38, 1-based): chr17:58,709,928, A>T. VCF-style: chr17-58709928-A-T. GRCh37 (hg19) VCF-style: chr17-56787289-A-T.
Other names: short protein forms T259S.
Identifiers: ClinVar variation 1052265 (VCV001052265.9), dbSNP rs779954908, ClinGen allele CA400353880.